The following is an entry in ClinVar:

ClinVar aggregate classification (germline): Uncertain significance. Review status: criteria provided, multiple submitters, no conflicts (2 of 4 stars). 2 submissions from 2 submitters: Uncertain significance (2). Last evaluated 2025-01-13.

Conditions:
Autosomal recessive hypophosphatemic bone disease (HHRH). Also called: HYPERCALCIURIC RICKETS; Hypophosphatemic rickets with hypercalciuria. Identifiers: Orphanet 157215, MedGen C1853271, MONDO:0009431, OMIM 241530.

Allele frequency attached by ClinVar (database versions not stated): gnomAD exomes 0.00001; gnomAD 0.00009; TOPMed 0.00011.

Submissions (2):

Labcorp Genetics (formerly Invitae), Labcorp
Classification: Uncertain significance. Last evaluated: 2025-01-13. Review status: criteria provided, single submitter. Criteria: Invitae Variant Classification Sherloc (09022015). Collection method: clinical testing. Allele origin: germline.
Comment: This sequence change replaces alanine, which is neutral and non-polar, with threonine, which is neutral and polar, at codon 314 of the SLC34A3 protein (p.Ala314Thr). This variant is present in population databases (no rsID available, gnomAD 0.006%). This variant has not been reported in the literature in individuals affected with SLC34A3-related conditions. ClinVar contains an entry for this variant (Variation ID: 802548). Invitae Evidence Modeling of protein sequence and biophysical properties (such as structural, functional, and spatial information, amino acid conservation, physicochemical variation, residue mobility, and thermodynamic stability) indicates that this missense variant is not expected to disrupt SLC34A3 protein function with a negative predictive value of 80%. In summary, the available evidence is currently insufficient to determine the role of this variant in disease. Therefore, it has been classified as a Variant of Uncertain Significance.

Mendelics
Classification: Uncertain significance for Autosomal recessive hypophosphatemic bone disease. Last evaluated: 2019-05-28. Review status: criteria provided, single submitter. Criteria: Mendelics Assertion Criteria 2017. Collection method: clinical testing. Allele origin: unknown.

NM_001177316.2(SLC34A3):c.940G>A (p.Ala314Thr)

Gene: SLC34A3 (solute carrier family 34 member 3; plus strand). Cytogenetic location: 9q34.3.
Variant type: single nucleotide variant.
Coding change: c.940G>A on transcript NM_001177316.2 (MANE Select); coding-DNA position 940, G replaced by A.
Protein change: p.Ala314Thr; replaces alanine 314 with threonine.
Molecular consequence: missense variant.
Genome position (GRCh38, 1-based): chr9:137,234,123, G>A. VCF-style: chr9-137234123-G-A. GRCh37 (hg19) VCF-style: chr9-140128575-G-A.
Other names: c.940G>A, p.Ala314Thr (NM_001177317.2, NM_080877.3); short protein forms A314T.
Identifiers: ClinVar variation 802548 (VCV000802548.5), dbSNP rs1332288437, ClinGen allele CA375735427.